The following is an entry in ClinVar:

ClinVar aggregate classification (germline): Uncertain significance (1 of 4 stars; one submission).

Conditions:
Vitamin D-dependent rickets, type 3. Identifiers: MedGen C5436733, MONDO:0033640, OMIM 619073.

gnomAD v4.1: 7 of 1,612,664 alleles (0.00043%); highest among the groups gnomAD compares: South Asian, 0.0066%; no homozygotes.

Submission:

Neuberg Centre For Genomic Medicine, NCGM
Classification: Uncertain significance for Vitamin D-dependent rickets, type 3. Last evaluated: 2023-07-22. Review status: criteria provided, single submitter. Criteria: ACMG Guidelines, 2015. Collection method: clinical testing. Allele origin: germline. Inheritance: Autosomal dominant inheritance. Affected: yes.
Comment: The observed splice region c.219-8T>C variant in CYP3A4 gene has not been reported previously as a pathogenic variant nor as a benign variant, to our knowledge. This variant is present with an allele frequency of 0.001% in gnomAD Exomes database. This variant has not been submitted to the ClinVar database. For these reasons, this variant has been classified as Uncertain Significance.

NM_017460.6(CYP3A4):c.219-8T>C

Gene: CYP3A4 (cytochrome P450 family 3 subfamily A member 4; minus strand). Cytogenetic location: 7q22.1.
Variant type: single nucleotide variant.
Coding change: c.219-8T>C on transcript NM_017460.6 (MANE Select); 8 bases into the intron before coding-DNA position 219, T replaced by C.
Molecular consequence: intron variant.
Genome position (GRCh38, 1-based): chr7:99,772,697, A>G on the plus strand (T>C on the coding strand, the complement: CYP3A4 is on the minus strand). VCF-style: chr7-99772697-A-G. GRCh37 (hg19) VCF-style: chr7-99370320-A-G.
Other names: c.219-8T>C (NM_001202855.3).
Identifiers: ClinVar variation 3391208 (VCV003391208.1).
Genomic context (GRCh38, chr7:99,772,697, plus strand): 5'-TGATCATGTCAGGATCTGTGATAGCCAGCACAGGCTGTTGACCATCATAAAAGCTGTGTG[A>G]AAAAAACAGAGTTGATTAAACATCAACAGCCTTATTCTACAGCTGGAGCCCAACCCAGGA-3'